The following is an entry in ClinVar:

NM_000492.4(CFTR):c.3936del (p.Gln1313fs)

Gene: CFTR (CF transmembrane conductance regulator; plus strand). Cytogenetic location: 7q31.2.
Variant type: Deletion.
Coding change: c.3936del on transcript NM_000492.4 (MANE Select); coding-DNA position 3936, one base deleted (T; older notation c.3936delT).
Protein change: p.Gln1313fs; shifts the reading frame from glutamine 1313.
Molecular consequence: frameshift variant.
Genome position (GRCh38, 1-based): chr7:117,652,904, T deleted. VCF-style (leftmost placement, unchanged base first): chr7-117652903-AT-A. GRCh37 (hg19) VCF-style: chr7-117292957-AT-A.
Other names: short protein forms Q1313fs.
Identifiers: ClinVar variation 3659414 (VCV003659414.2).

ClinVar aggregate classification (germline): Pathogenic (1 of 4 stars; one submission).

Conditions:
Cystic fibrosis (CF). Also called: MUCOVISCIDOSIS. Identifiers: Orphanet 586, MedGen C0010674, MONDO:0009061, OMIM 219700. Disease mechanism: loss of function.

Submission:

Labcorp Genetics (formerly Invitae), Labcorp
Classification: Pathogenic for Cystic fibrosis. Last evaluated: 2024-07-12. Review status: criteria provided, single submitter. Criteria: Invitae Variant Classification Sherloc (09022015). Collection method: clinical testing. Allele origin: germline.
Comment: This sequence change creates a premature translational stop signal (p.Gln1313Lysfs*15) in the CFTR gene. It is expected to result in an absent or disrupted protein product. Loss-of-function variants in CFTR are known to be pathogenic (PMID: 1695717, 7691345, 9725922). This variant is not present in population databases (gnomAD no frequency). This variant has not been reported in the literature in individuals affected with CFTR-related conditions. For these reasons, this variant has been classified as Pathogenic.

Literature cited by the submitters: PubMed 1695717; PubMed 7691345; PubMed 9725922.